The following is an entry in ClinVar:

ClinVar aggregate classification (germline): Uncertain significance (1 of 4 stars; one submission).

Conditions:
Heterotaxy, visceral, 9, autosomal, with male infertility. Identifiers: MedGen C5394551, MONDO:0030070, OMIM 618948.

Allele frequency attached by ClinVar (database versions not stated): gnomAD exomes below 0.00001.
gnomAD v4.1: 2 of 1,610,732 alleles (0.00012%); highest among the groups gnomAD compares: East Asian, 0.0045%; no homozygotes.

Submission:

Neuberg Centre For Genomic Medicine, NCGM
Classification: Uncertain significance for Heterotaxy, visceral, 9, autosomal, with male infertility. Review status: criteria provided, single submitter. Criteria: ACMG Guidelines, 2015. Collection method: clinical testing. Allele origin: germline. Inheritance: Autosomal recessive inheritance. Affected: yes.
Comment: The observed missense variant c.1391C>T(p.Pro464Leu) in MNS1 gene has not been reported previously as a pathogenic variant nor as a benign variant, to our knowledge. The c.1391C>T variant has 0.001% allele frequency in gnomAD Exomes. The amino acid Proline at position 464 is changed to a Leucine changing protein sequence and it might alter its composition and physico-chemical properties. The varian tis predicted to be damaging by SIFT. The amino acid change p.Pro464Leu in MNS1 is predicted as conserved by GERP++ and PhyloP across 100 vertebrates. For these reasons, this variant has been classified as Uncertain Significance.

NM_018365.4(MNS1):c.1391C>T (p.Pro464Leu)

Genes: MNS1 (meiosis specific nuclear structural 1; minus strand), TEX9 (testis expressed 9; plus strand). Cytogenetic location: 15q21.3.
Variant type: single nucleotide variant.
Coding change: c.1391C>T on transcript NM_018365.4 (MANE Select); coding-DNA position 1391, C replaced by T.
Protein change: p.Pro464Leu; replaces proline 464 with leucine.
Molecular consequence: missense variant. On other transcripts: intron variant (3).
Genome position (GRCh38, 1-based): chr15:56,431,377, G>A on the plus strand (C>T on the coding strand, the complement: MNS1 is on the minus strand). VCF-style: chr15-56431377-G-A. GRCh37 (hg19) VCF-style: chr15-56723575-G-A.
Other names: c.*29+2904G>A (NM_001385043.1, NM_001286449.2, NM_198524.3); short protein forms P464L.
Identifiers: ClinVar variation 3242214 (VCV003242214.1), dbSNP rs1455442200.